The following is an entry in ClinVar:

NM_006231.4(POLE):c.6131T>C (p.Leu2044Pro)

Gene: POLE (DNA polymerase epsilon, catalytic subunit; minus strand). Cytogenetic location: 12q24.33.
Variant type: single nucleotide variant.
Coding change: c.6131T>C on transcript NM_006231.4 (MANE Select); coding-DNA position 6131, T replaced by C.
Protein change: p.Leu2044Pro; replaces leucine 2044 with proline.
Molecular consequence: missense variant.
Genome position (GRCh38, 1-based): chr12:132,632,669, A>G on the plus strand (T>C on the coding strand, the complement: POLE is on the minus strand). VCF-style: chr12-132632669-A-G. GRCh37 (hg19) VCF-style: chr12-133209255-A-G.
Other names: short protein forms L2044P.
Identifiers: ClinVar variation 4141161 (VCV004141161.1).

ClinVar aggregate classification (germline): Uncertain significance (1 of 4 stars; one submission).

Conditions:
Hereditary cancer-predisposing syndrome. Also called: Hereditary neoplastic syndrome; Neoplastic Syndromes, Hereditary; Tumor predisposition; Hereditary Cancer Syndrome. Identifiers: Orphanet 140162, MedGen C0027672, MeSH D009386, MONDO:0015356.

Submission:

Ambry Genetics
Classification: Uncertain significance for Hereditary cancer-predisposing syndrome. Last evaluated: 2025-07-16. Review status: criteria provided, single submitter. Criteria: Ambry Variant Classification Scheme 2023. Collection method: clinical testing. Allele origin: germline.
Comment: The p.L2044P variant (also known as c.6131T>C), located in coding exon 44 of the POLE gene, results from a T to C substitution at nucleotide position 6131. The leucine at codon 2044 is replaced by proline, an amino acid with similar properties. This amino acid position is conserved. In addition, the in silico prediction for this alteration is inconclusive. Based on the available evidence, the clinical significance of this variant remains unclear.